The following is an entry in ClinVar:

NM_130839.5(UBE3A):c.1179T>C (p.Asp393=)

Genes: SNHG14 (small nucleolar RNA host gene 14; plus strand), UBE3A (ubiquitin protein ligase E3A; minus strand). Cytogenetic location: 15q11.2.
Variant type: single nucleotide variant.
Coding change: c.1179T>C on transcript NM_130839.5 (MANE Select); coding-DNA position 1179, T replaced by C.
Protein change: p.Asp393=; no amino-acid change (aspartic acid 393 retained).
Molecular consequence: synonymous variant. On other transcripts: non-coding transcript variant (1), intron variant (2).
Genome position (GRCh38, 1-based): chr15:25,370,995, A>G on the plus strand (T>C on the coding strand, the complement: UBE3A is on the minus strand). VCF-style: chr15-25370995-A-G. GRCh37 (hg19) VCF-style: chr15-25616142-A-G.
Other names: p.D393D:GAT>GAC; NM_130839.5(UBE3A):c.1179T>C; p.Asp393=; c.1188T>C, p.Asp396= (NM_000462.5); c.1179T>C, p.Asp393= (NM_001354505.1, NM_001354538.2, NM_001354545.2); c.1119T>C, p.Asp373= (NM_001354506.2, NM_001354507.2, NM_001354508.2 and 17 more transcripts); c.1002T>C, p.Asp334= (NM_001354546.2); c.301+4470T>C (NM_001354551.2); and 1 more.
Identifiers: ClinVar variation 137883 (VCV000137883.18), dbSNP rs143000400, ClinGen allele CA291608.

ClinVar aggregate classification (germline): Likely benign. Review status: reviewed by expert panel (3 of 4 stars). 6 submissions from 6 submitters: Likely benign (1). 5 of the submissions do not count toward it. Last evaluated 2022-06-30.

Conditions:
Angelman syndrome (AS). Also called: HAPPY PUPPET SYNDROME. Identifiers: Orphanet 72, MedGen C0162635, MONDO:0007113, OMIM 105830. Disease mechanism: loss of function. Inheritance: AS is caused by disruption of maternally imprinted UBE3A located within the 15q11.2-q13 Angelman syndrome/Prader-Willi syndrome (AS/PWS) region., imprinting disorder.

Allele frequency attached by ClinVar (database versions not stated): ExAC 0.00003; gnomAD exomes 0.00003; gnomAD 0.00005; TOPMed 0.00005; ESP Exome Variant Server 0.00008.
gnomAD v4.1: 134 of 1,613,882 alleles (0.0083%); highest among the groups gnomAD compares: Non-Finnish European, 0.011%; no homozygotes.

Submissions (6):

ClinGen Rett and Angelman-like Disorders Variant Curation Expert Panel
Classification: Likely benign for Angelman syndrome. Last evaluated: 2022-06-30. Review status: reviewed by expert panel. Criteria: ClinGen RettAS ACMG Specifications V2. Collection method: curation. Allele origin: germline. Inheritance: Autosomal dominant inheritance.
Comment: The c.1119T>C p.(Asp373=) variant in UBE3A (NM_130838.2) is present in gnomAD v2.1.1 at a frequency of 0.006% in the European (non-Finnish) sub population (no criteria met). The silent p.(Asp373=) variant is not predicted to affect splicing using multiple computational tools and does not affect a highly conserved nucleotide (BP4, BP7). In summary, the c.1119T>C p.(Asp373=) variant in UBE3A is classified as Likely Benign based on the ACMG/AMP criteria (BP4, BP7).

Labcorp Genetics (formerly Invitae), Labcorp
Classification: Likely benign for Angelman syndrome. Last evaluated: 2025-03-23. Review status: criteria provided, single submitter. Criteria: Invitae Variant Classification Sherloc (09022015). Collection method: clinical testing. Allele origin: germline. Not counted in ClinVar's aggregate classification.

Blueprint Genetics
Classification: Likely benign. Last evaluated: 2024-10-04. Review status: criteria provided, single submitter. Criteria: ACMG Guidelines, 2015. Collection method: clinical testing. Allele origin: germline. Not counted in ClinVar's aggregate classification.

GeneDx
Classification: Likely benign. Last evaluated: 2021-04-16. Review status: criteria provided, single submitter. Criteria: GeneDx Variant Classification Process June 2021. Collection method: clinical testing. Allele origin: germline. Affected: yes. Not counted in ClinVar's aggregate classification.
Comment: This variant is associated with the following publications: (PMID: 25212744)

Genetic Services Laboratory, University of Chicago
Classification: Likely benign. Last evaluated: 2017-06-22. Review status: criteria provided, single submitter. Criteria: ACMG Guidelines, 2015. Collection method: clinical testing. Allele origin: germline. Affected: no. Not counted in ClinVar's aggregate classification.

Baylor Genetics
Classification: Uncertain significance for Angelman syndrome. Last evaluated: 2014-02-14. Review status: no assertion criteria provided. Collection method: clinical testing. Allele origin: germline, paternal. Affected: yes. Observed: 3 variant alleles. Study: UBE3A Mutation Study. Not counted in ClinVar's aggregate classification.
Comment: possible diagnosis of Angelman syndrome

Data collected from clinical UBE3A sequence analysis results

Literature cited by the submitters: PubMed 25212744 (cited by Baylor Genetics).